The following is an entry in ClinVar:

NM_019032.6(ADAMTSL4):c.767_786del (p.Gln256fs)

Genes: ADAMTSL4 (ADAMTS like 4; plus strand), ADAMTSL4-AS2 (ADAMTSL4 antisense RNA 2; minus strand). Cytogenetic location: 1q21.2.
Variant type: Deletion.
Coding change: c.767_786del on transcript NM_019032.6 (MANE Select); coding-DNA positions 767 to 786, 20 bases deleted (AGGCCTCTGGCACAGAGCCC).
Protein change: p.Gln256fs; shifts the reading frame from glutamine 256.
Genome position (GRCh38, 1-based): chr1:150,553,758-150,553,777, AGGCCTCTGGCACAGAGCCC deleted; deleting any 20 consecutive bases within chr1:150,553,750-150,553,777 gives the same sequence; the c. name uses the placement nearest the transcript's 3' end. VCF-style (leftmost placement, unchanged base first): chr1-150553749-CCAGAGCCCAGGCCTCTGGCA-C. GRCh37 (hg19) VCF-style: chr1-150526225-CCAGAGCCCAGGCCTCTGGCA-C.
Other names: c.767_786delAGGCCTCTGGCACAGAGCCC (NM_019032.4, NM_019032.5); c.767_786del20 (NM_019032.4, NM_019032.6, NM_019032.5); c.767_786del, p.Gln256fs (NM_001288607.2, NM_001288608.2, NM_001378596.1 and 1 more transcripts); short protein forms Q256fs.
Identifiers: ClinVar variation 39555 (VCV000039555.95), dbSNP rs199473693, ClinGen allele CA261176.

ClinVar aggregate classification (germline): Pathogenic. Review status: criteria provided, multiple submitters, no conflicts (2 of 4 stars). 34 submissions from 32 submitters: Pathogenic (30). 4 of the submissions do not count toward it. Last evaluated 2026-09-11.

Conditions:
ADAMTSL4-related disorder. Also called: ADAMTSL4-related condition; ADAMTSL4-Related Disorders.
Craniosynostosis with ectopia lentis. Identifiers: MedGen C1863678, MONDO:0011347, OMIM 603595.
Ectopia lentis. Identifiers: MedGen C0013581, HP:0001083.
Structural eye disease.
Inborn genetic diseases. Identifiers: MedGen C0950123, MeSH D030342.
Ectopia lentis et pupillae. Also called: ECTOPIA LENTIS WITH ECTOPIA OF PUPIL. Identifiers: Orphanet 1885, MedGen C1644196, MONDO:0009153, OMIM 225200.
Ectopia lentis 2, isolated, autosomal recessive (ECTOL2). Identifiers: Orphanet 1885, MedGen C3541474, MONDO:0009152, OMIM 225100.

Submissions 1 to 12 of 34:

Genetics Laboratory, Great Ormond Street Hospital NHS Foundation Trust, North Thames Genomic Laboratory Hub
Classification: Pathogenic for Structural eye disease. Last evaluated: 2026-09-11. Review status: criteria provided, single submitter. Criteria: ACGS Best Practice Guidelines for Variant Classification in Rare Disease 2024 v1.2. Collection method: clinical testing. Allele origin: germline. Affected: yes.
Comment: PVS1_very-strong, PM3_strong

Greenwood Genetic Center Diagnostic Laboratories, Greenwood Genetic Center
Classification: Pathogenic for Ectopia lentis 2, isolated, autosomal recessive. Last evaluated: 2026-06-02. Review status: criteria provided, single submitter. Criteria: ACMG Guidelines, 2015. Collection method: clinical testing. Allele origin: germline. Affected: yes.
Comment: PVS1, PM3_Very Strong, PP1_Moderate

Women's Health and Genetics/Laboratory Corporation of America, LabCorp
Classification: Pathogenic for Ectopia lentis 2, isolated, autosomal recessive. Last evaluated: 2026-03-30. Review status: criteria provided, single submitter. Criteria: LabCorp Variant Classification Summary - May 2015. Collection method: clinical testing. Allele origin: germline.
Comment: Variant summary: ADAMTSL4 c.767_786del20 (p.Gln256ProfsX38) results in a premature termination codon, predicted to cause a truncation of the encoded protein or absence of the protein due to nonsense mediated decay, which are commonly known mechanisms for disease. The variant allele was found at a frequency of 0.0012 in 250950 control chromosomes. The observed variant frequency exceeds the estimated maximal expected allele frequency for disease-causing variants in ADAMTSL4. c.767_786del20 has been observed in multiple individuals affected with Ectopia lentis 2, isolated, autosomal recessive (e.g. Neuhann_2011) and observed to segregate with disease. These data indicate that the variant is very likely to be associated with disease. To our knowledge, no experimental evidence demonstrating an impact on protein function has been reported. The following publication have been ascertained in the context of this evaluation (PMID: 21051722). ClinVar contains an entry for this variant (Variation ID: 39555). Based on the evidence outlined above, the variant was classified as pathogenic.

Institute of Medical Genetics and Applied Genomics, University Hospital Tübingen
Classification: Pathogenic for Ectopia lentis 2, isolated, autosomal recessive. Last evaluated: 2026-03-25. Review status: criteria provided, single submitter. Criteria: ACMG Guidelines, 2015. Collection method: clinical testing. Allele origin: germline. Inheritance: Autosomal recessive inheritance. Affected: yes.

PreventionGenetics, part of Exact Sciences
Classification: Pathogenic for ADAMTSL4-related condition. Last evaluated: 2026-02-14. Review status: criteria provided, single submitter. Criteria: ACMG Guidelines, 2015. Collection method: clinical testing. Allele origin: germline.
Comment: The ADAMTSL4 c.767_786del20 variant is predicted to result in a frameshift and premature protein termination (p.Gln256Profs*38). This variant has been frequently reported to be causative for isolated ectopia lentis (see for examples: Aragon-Martin et al. 2010. PubMed ID: 20564469; Neuhann et al. 2011. PubMed ID: 21051722; Chandra et al. 2012. PubMed ID: 22736615). This variant is reported in 0.24% of alleles in individuals of European (Non-Finnish) descent in gnomAD, indicating it is relatively common. Frameshift variants in ADAMTSL4 are an established mechanism of disease. This variant is interpreted as pathogenic.

Labcorp Genetics (formerly Invitae), Labcorp
Classification: Pathogenic. Last evaluated: 2026-01-24. Review status: criteria provided, single submitter. Criteria: Invitae Variant Classification Sherloc (09022015). Collection method: clinical testing. Allele origin: germline.
Comment: This sequence change creates a premature translational stop signal (p.Gln256Profs*38) in the ADAMTSL4 gene. It is expected to result in an absent or disrupted protein product. Loss-of-function variants in ADAMTSL4 are known to be pathogenic (PMID: 20564469, 28642162). This variant is present in population databases (rs587691401, gnomAD 0.2%), and has an allele count higher than expected for a pathogenic variant. This premature translational stop signal has been observed in individuals with ectopia lentis (PMID: 2056446, 21051722, 22736615, 22871183, 25975359). It has also been observed to segregate with disease in related individuals. ClinVar contains an entry for this variant (Variation ID: 39555). For these reasons, this variant has been classified as Pathogenic.

Clinical Genetics Laboratory, University Hospital Schleswig-Holstein
Classification: Pathogenic for Ectopia lentis et pupillae. Last evaluated: 2025-12-02. Review status: criteria provided, single submitter. Criteria: ACMG Guidelines, 2015. Collection method: clinical testing. Allele origin: maternal. Affected: yes. Observed: 1 compound heterozygote.
Comment: ACMG criteria applied: PVS1, PM3_VeryStrong, PP1_Strong

Genetics Department, University Hospital of Toulouse
Classification: Pathogenic for Ectopia lentis 2, isolated, autosomal recessive. Last evaluated: 2025-10-05. Review status: criteria provided, single submitter. Criteria: ACMG Guidelines, 2015. Collection method: clinical testing. Allele origin: biparental. Affected: yes.
Comment: The NM_019032.6:c.767_786del p.Gln256Profs*38 is a frameshift variant in ADAMTSL4. It was found homozygous with biparental inheritence in an invidiual with anterior segment dysgnesis including ectopia lentis. It has been previously reported as pathogenic (PMID: 36284667) in multiple individuals with ectopia lentis.It is classified as pathogenic: PVS1, PP4, PP5_vs.

Laboratory of Genetics, Children's Clinical University Hospital Latvia
Classification: Pathogenic. Last evaluated: 2025-02-16. Review status: criteria provided, single submitter. Criteria: ACMG Guidelines, 2015. Collection method: clinical testing. Allele origin: germline. Affected: yes.

Revvity Omics, Revvity
Classification: Pathogenic. Last evaluated: 2024-12-10. Review status: criteria provided, single submitter. Criteria: ACMG Guidelines, 2015. Collection method: clinical testing. Allele origin: germline.

Blueprint Genetics
Classification: Pathogenic for ADAMTSL4-related disorders. Last evaluated: 2024-11-21. Review status: criteria provided, single submitter. Criteria: ACMG Guidelines, 2015. Collection method: clinical testing. Allele origin: germline. Affected: yes. Observed: 5 variant alleles.

Ambry Genetics
Classification: Pathogenic for Inborn genetic diseases. Last evaluated: 2024-10-10. Review status: criteria provided, single submitter. Criteria: Ambry Variant Classification Scheme 2023. Collection method: clinical testing. Allele origin: germline.
Comment: The c.767_786del20 (p.Q256Pfs*38) alteration, located in exon 6 (coding exon 4) of the ADAMTSL4 gene, consists of a deletion of 20 nucleotides from position 767 to 786, causing a translational frameshift with a predicted alternate stop codon after 38 amino acids. This alteration is expected to result in loss of function by premature protein truncation or nonsense-mediated mRNA decay. Based on data from gnomAD, the c.767_786del20 allele has an overall frequency of 0.122% (344/282186) total alleles studied. The highest observed frequency was 0.239% (307/128702) of European (non-Finnish) alleles. This variant has been identified in the homozygous state and/or in conjunction with other ADAMTSL4 variant(s) in individual(s) with features consistent with ADAMTSL4-related ectopia lentis (Overwater, 2017; Lenassi, 2020). Based on the available evidence, this alteration is classified as pathogenic.